The following is an entry in ClinVar:

NM_000038.6(APC):c.5300G>A (p.Gly1767Asp)

Gene: APC (APC regulator of Wnt signaling pathway; plus strand). Cytogenetic location: 5q22.2.
Variant type: single nucleotide variant.
Coding change: c.5300G>A on transcript NM_000038.6 (MANE Select); coding-DNA position 5300, G replaced by A.
Protein change: p.Gly1767Asp; replaces glycine 1767 with aspartic acid.
Molecular consequence: missense variant.
Genome position (GRCh38, 1-based): chr5:112,840,894, G>A. VCF-style: chr5-112840894-G-A. GRCh37 (hg19) VCF-style: chr5-112176591-G-A.
Other names: c.5300G>A, p.Gly1767Asp (NM_001127510.3, NM_001354895.2); c.5246G>A, p.Gly1749Asp (NM_001127511.3); c.5354G>A, p.Gly1785Asp (NM_001354896.2); c.5330G>A, p.Gly1777Asp (NM_001354897.2); c.5225G>A, p.Gly1742Asp (NM_001354898.2); c.5216G>A, p.Gly1739Asp (NM_001354899.2); c.5177G>A, p.Gly1726Asp (NM_001354900.2); c.5123G>A, p.Gly1708Asp (NM_001354901.2); and 5 more; short protein forms G1749D, G1767D, G1484D, G1641D, G1708D, G1739D, G1785D, G1607D.
Identifiers: ClinVar variation 423629 (VCV000423629.10), dbSNP rs1064796537, ClinGen allele CA16032918.

ClinVar aggregate classification (germline): Uncertain significance. Review status: criteria provided, multiple submitters, no conflicts (2 of 4 stars). 4 submissions from 4 submitters: Uncertain significance (4). Last evaluated 2023-03-23.

Conditions:
Familial adenomatous polyposis 1 (FAP1). Also called: FAMILIAL ADENOMATOUS POLYPOSIS 1, ATTENUATED; POLYPOSIS, ADENOMATOUS INTESTINAL. Identifiers: MedGen C2713442, MONDO:0021056, OMIM 175100. Disease mechanism: loss of function.
Hereditary cancer-predisposing syndrome. Also called: Hereditary neoplastic syndrome; Neoplastic Syndromes, Hereditary; Tumor predisposition; Hereditary Cancer Syndrome. Identifiers: Orphanet 140162, MedGen C0027672, MeSH D009386, MONDO:0015356.

Allele frequency attached by ClinVar (database versions not stated): gnomAD exomes below 0.00001.
gnomAD v4.1: 1 of 1,613,804 alleles (0.000062%); highest among the groups gnomAD compares: Non-Finnish European, 0.000085%; no homozygotes.

Submissions (4):

Ambry Genetics
Classification: Uncertain significance for Hereditary cancer-predisposing syndrome. Last evaluated: 2023-03-23. Review status: criteria provided, single submitter. Criteria: Ambry Variant Classification Scheme 2023. Collection method: clinical testing. Allele origin: germline.
Comment: The p.G1767D variant (also known as c.5300G>A), located in coding exon 15 of the APC gene, results from a G to A substitution at nucleotide position 5300. The glycine at codon 1767 is replaced by aspartic acid, an amino acid with similar properties. This amino acid position is not well conserved in available vertebrate species. In addition, in silico predictors for this gene do not accurately predict pathogenicity. Since supporting evidence is limited at this time, the clinical significance of this alteration remains unclear.

Labcorp Genetics (formerly Invitae), Labcorp
Classification: Uncertain significance for Familial adenomatous polyposis 1. Last evaluated: 2022-03-10. Review status: criteria provided, single submitter. Criteria: Invitae Variant Classification Sherloc (09022015). Collection method: clinical testing. Allele origin: germline.
Comment: In summary, the available evidence is currently insufficient to determine the role of this variant in disease. Therefore, it has been classified as a Variant of Uncertain Significance. Algorithms developed to predict the effect of missense changes on protein structure and function (SIFT, PolyPhen-2, Align-GVGD) all suggest that this variant is likely to be tolerated. ClinVar contains an entry for this variant (Variation ID: 423629). This variant has not been reported in the literature in individuals affected with APC-related conditions. This variant is not present in population databases (gnomAD no frequency). This sequence change replaces glycine, which is neutral and non-polar, with aspartic acid, which is acidic and polar, at codon 1767 of the APC protein (p.Gly1767Asp).

Color Diagnostics, LLC DBA Color Health
Classification: Uncertain significance for Hereditary cancer-predisposing syndrome. Last evaluated: 2021-06-29. Review status: criteria provided, single submitter. Criteria: ACMG Guidelines, 2015. Collection method: clinical testing. Allele origin: germline.
Comment: This missense variant replaces glycine with aspartic acid at codon 1767 of the APC protein. Computational prediction suggests that this variant may not impact protein structure and function (internally defined REVEL score threshold <= 0.5, PMID: 27666373). To our knowledge, functional studies have not been reported for this variant. This variant has not been reported in individuals affected with hereditary cancer in the literature. This variant has not been identified in the general population by the Genome Aggregation Database (gnomAD). The available evidence is insufficient to determine the role of this variant in disease conclusively. Therefore, this variant is classified as a Variant of Uncertain Significance.

GeneDx
Classification: Uncertain significance. Last evaluated: 2017-02-13. Review status: criteria provided, single submitter. Criteria: GeneDx Variant Classification (06012015). Collection method: clinical testing. Allele origin: germline. Affected: yes.
Comment: This variant is denoted APC c.5300G>A at the cDNA level, p.Gly1767Asp (G1767D) at the protein level, and results in the change of a Glycine to an Aspartic Acid (GGT>GAT). This variant has not, to our knowledge, been published in the literature as pathogenic or benign. APC Gly1767Asp was not observed in approximately 6,500 individuals of European and African American ancestry in the NHLBI Exome Sequencing Project, suggesting it is not a common benign variant in these populations. Since Glycine and Aspartic Acid differ in polarity, charge, size or other properties, this is considered a non-conservative amino acid substitution. APC Gly1767Asp occurs at a position that is not conserved and is located in the 20-aa repeat B-catenin down-regulating domain and SAMP repeats/axin binding domain (Azzopardi 2008). In silico analyses predict that this variant is unlikely to alter protein structure or function. Based on currently available evidence, it is unclear whether APC Gly1767Asp is a pathogenic or benign variant. We consider it to be a variant of uncertain significance.